The following is an entry in ClinVar:

NM_012463.4(ATP6V0A2):c.435T>G (p.Phe145Leu)

Gene: ATP6V0A2 (ATPase H+ transporting V0 subunit a2; plus strand). Cytogenetic location: 12q24.31.
Variant type: single nucleotide variant.
Coding change: c.435T>G on transcript NM_012463.4 (MANE Select); coding-DNA position 435, T replaced by G.
Protein change: p.Phe145Leu; replaces phenylalanine 145 with leucine.
Molecular consequence: missense variant.
Genome position (GRCh38, 1-based): chr12:123,726,199, T>G. VCF-style: chr12-123726199-T-G. GRCh37 (hg19) VCF-style: chr12-124210746-T-G.
Other names: short protein forms F145L.
Identifiers: ClinVar variation 1308312 (VCV001308312.3), dbSNP rs772179448, ClinGen allele CA6861621.
Genomic context (GRCh38, chr12:123,726,199, plus strand): 5'-TGAGAAATAAAGTGTCACTTTTAATGAGACACACTTGGTTTCATATGTTTATTTCTAGTT[T>G]GAACCCACTTATGAAGAATTCCCTTCCTTAGAGAGTGATTCTTTGTTGGATTACAGCTGT-3'
Protein context (NP_036595.2, residues 135-155): TKTFVKRNVE[Phe145Leu]EPTYEEFPSL

ClinVar aggregate classification (germline): Uncertain significance. Review status: criteria provided, multiple submitters, no conflicts (2 of 4 stars). 2 submissions from 2 submitters: Uncertain significance (2). Last evaluated 2022-06-20.

Conditions:
ALG9 congenital disorder of glycosylation (CDG1L). Also called: CDG Il; CONGENITAL DISORDER OF GLYCOSYLATION, TYPE Il; ALG9-CDG. Identifiers: Orphanet 79328, MedGen C2931006, MONDO:0012117, OMIM 608776.

Allele frequency attached by ClinVar (database versions not stated): gnomAD exomes 0.00001 and 0.00002; ExAC 0.00002.
gnomAD v4.1: 7 of 1,607,078 alleles (0.00044%); highest among the groups gnomAD compares: Admixed American, 0.012%; no homozygotes.

Submissions (2):

Labcorp Genetics (formerly Invitae), Labcorp
Classification: Uncertain significance for ALG9 congenital disorder of glycosylation. Last evaluated: 2022-06-20. Review status: criteria provided, single submitter. Criteria: Invitae Variant Classification Sherloc (09022015). Collection method: clinical testing. Allele origin: germline.
Comment: This sequence change replaces phenylalanine, which is neutral and non-polar, with leucine, which is neutral and non-polar, at codon 145 of the ATP6V0A2 protein (p.Phe145Leu). This variant is present in population databases (rs772179448, gnomAD 0.01%). This variant has not been reported in the literature in individuals affected with ATP6V0A2-related conditions. ClinVar contains an entry for this variant (Variation ID: 1308312). Algorithms developed to predict the effect of missense changes on protein structure and function (SIFT, PolyPhen-2, Align-GVGD) all suggest that this variant is likely to be tolerated. In summary, the available evidence is currently insufficient to determine the role of this variant in disease. Therefore, it has been classified as a Variant of Uncertain Significance.

GeneDx
Classification: Uncertain significance. Last evaluated: 2019-04-05. Review status: criteria provided, single submitter. Criteria: GeneDx Variant Classification Process June 2021. Collection method: clinical testing. Allele origin: germline. Affected: yes.
Comment: Not observed at a significant frequency in large population cohorts (Lek et al., 2016); In silico analysis, which includes protein predictors and evolutionary conservation, supports that this variant does not alter protein structure/function; Has not been previously published as pathogenic or benign to our knowledge